The following is an entry in ClinVar:

NM_003052.5(SLC34A1):c.1175-13G>A

Gene: SLC34A1 (solute carrier family 34 member 1; plus strand). Cytogenetic location: 5q35.3.
Variant type: single nucleotide variant.
Coding change: c.1175-13G>A on transcript NM_003052.5 (MANE Select); 13 bases into the intron before coding-DNA position 1175, G replaced by A.
Molecular consequence: intron variant.
Genome position (GRCh38, 1-based): chr5:177,396,720, G>A. VCF-style: chr5-177396720-G-A. GRCh37 (hg19) VCF-style: chr5-176823721-G-A.
Identifiers: ClinVar variation 1333576 (VCV001333576.10), dbSNP rs548223568, ClinGen allele CA3580686.
Genomic context (GRCh38, chr5:177,396,720, plus strand): 5'-TGCCCCCGCGGAGGTCTGCTCTCCCAATGTCCCCGCTCTGACCCCAGCCTGCTGGGATGC[G>A]GTTTCCTTGCAGACTTCCCTGCCCCCTTCACCTGGGTCACAGGCTACTTTGCCATGGTGG-3'

ClinVar aggregate classification (germline): Conflicting classifications of pathogenicity. Review status: criteria provided, conflicting classifications (1 of 4 stars). 3 submissions from 3 submitters: Uncertain significance (2); Likely benign (1). Last evaluated 2025-09-14.

Conditions:
Fanconi renotubular syndrome 2 (FRTS2). Identifiers: MedGen C3150652, MONDO:0013247, OMIM 613388.

Allele frequency attached by ClinVar (database versions not stated): gnomAD 0.00002 and 0.00008; TOPMed 0.00003; 1000 Genomes Project 0.00040; 1000 Genomes Project 30x 0.00062.
gnomAD v4.1: 143 of 1,612,680 alleles (0.0089%); highest among the groups gnomAD compares: South Asian, 0.14%; 1 homozygote.

Submissions (3):

Labcorp Genetics (formerly Invitae), Labcorp
Classification: Likely benign. Last evaluated: 2025-09-14. Review status: criteria provided, single submitter. Criteria: Invitae Variant Classification Sherloc (09022015). Collection method: clinical testing. Allele origin: germline.

GeneDx
Classification: Uncertain significance. Last evaluated: 2024-12-31. Review status: criteria provided, single submitter. Criteria: GeneDx Variant Classification Process June 2021. Collection method: clinical testing. Allele origin: germline. Affected: yes.
Comment: In silico analysis supports a deleterious effect on splicing; Has not been previously published as pathogenic or benign to our knowledge

3billion
Classification: Uncertain significance for Fanconi renotubular syndrome 2. Last evaluated: 2022-01-03. Review status: criteria provided, single submitter. Criteria: ACMG Guidelines, 2015. Collection method: clinical testing. Allele origin: germline. Affected: yes. Observed: 1 heterozygote.
Comment: The variant is observed at an extremely low frequency in the gnomAD v2.1.1 dataset (total allele frequency: 0.000205, PM2_M). In silico prediction tools predicted that this variant influenced pre-mRNA splicing, resulting in aberrant splicing (SPLICEAI: 0.87>=0.8, PP3_P). Therefore, this variant is classified as uncertain significance according to the recommendation of ACMG/AMP guideline.